The following is an entry in ClinVar:

NM_006412.4(AGPAT2):c.827C>T (p.Pro276Leu)

Gene: AGPAT2 (1-acylglycerol-3-phosphate O-acyltransferase 2; minus strand). Cytogenetic location: 9q34.3.
Variant type: single nucleotide variant.
Coding change: c.827C>T on transcript NM_006412.4 (MANE Select); coding-DNA position 827, C replaced by T.
Protein change: p.Pro276Leu; replaces proline 276 with leucine.
Molecular consequence: missense variant.
Genome position (GRCh38, 1-based): chr9:136,673,762, G>A on the plus strand (C>T on the coding strand, the complement: AGPAT2 is on the minus strand). VCF-style: chr9-136673762-G-A. GRCh37 (hg19) VCF-style: chr9-139568214-G-A.
Other names: p.Pro276Leu; c.731C>T, p.Pro244Leu (NM_001012727.2); short protein forms P244L, P276L.
Identifiers: ClinVar variation 1694019 (VCV001694019.7), dbSNP rs773769888, ClinGen allele CA5342802.
Genomic context (GRCh38, chr9:136,673,762, plus strand): 5'-CCATCGGCTTCCACCTGCCCTCCCCAGGTCATGCCCTGCCGTGGTCTGGGCTACTGGGCC[G>A]GCTGCACGCCAGACCCCGCAGTGGCCCCGTTCTCCTGGGGGGTCTTGGAGATGTGGAGGA-3'
Protein context (NP_006403.2, residues 266-278): NGATAGSGVQ[Pro276Leu]AQ

ClinVar aggregate classification (germline): Uncertain significance. Review status: criteria provided, multiple submitters, no conflicts (2 of 4 stars). 2 submissions from 2 submitters: Uncertain significance (2). Last evaluated 2024-06-03.

Allele frequency attached by ClinVar (database versions not stated): gnomAD exomes 0.00002 and 0.00006; TOPMed 0.00003; gnomAD 0.00005; ExAC 0.00016.

Submissions (2):

Labcorp Genetics (formerly Invitae), Labcorp
Classification: Uncertain significance. Last evaluated: 2024-06-03. Review status: criteria provided, single submitter. Criteria: Invitae Variant Classification Sherloc (09022015). Collection method: clinical testing. Allele origin: germline.
Comment: This sequence change replaces proline, which is neutral and non-polar, with leucine, which is neutral and non-polar, at codon 276 of the AGPAT2 protein (p.Pro276Leu). This variant is present in population databases (rs773769888, gnomAD 0.04%). This variant has not been reported in the literature in individuals affected with AGPAT2-related conditions. ClinVar contains an entry for this variant (Variation ID: 1694019). Algorithms developed to predict the effect of missense changes on protein structure and function output the following: SIFT: "Not Available"; PolyPhen-2: "Benign"; Align-GVGD: "Not Available". The leucine amino acid residue is found in multiple mammalian species, which suggests that this missense change does not adversely affect protein function. In summary, the available evidence is currently insufficient to determine the role of this variant in disease. Therefore, it has been classified as a Variant of Uncertain Significance.

Mayo Clinic Laboratories, Mayo Clinic
Classification: Uncertain significance. Last evaluated: 2021-06-29. Review status: criteria provided, single submitter. Criteria: ACMG Guidelines, 2015. Collection method: clinical testing. Allele origin: germline.